The following is an entry in ClinVar:

NM_003803.4(MYOM1):c.850C>G (p.Arg284Gly)

Gene: MYOM1 (myomesin 1; minus strand). Cytogenetic location: 18p11.31.
Variant type: single nucleotide variant.
Coding change: c.850C>G on transcript NM_003803.4 (MANE Select); coding-DNA position 850, C replaced by G.
Protein change: p.Arg284Gly; replaces arginine 284 with glycine.
Molecular consequence: missense variant.
Genome position (GRCh38, 1-based): chr18:3,187,559, G>C on the plus strand (C>G on the coding strand, the complement: MYOM1 is on the minus strand). VCF-style: chr18-3187559-G-C. GRCh37 (hg19) VCF-style: chr18-3187557-G-C.
Other names: c.850C>G, p.Arg284Gly (NM_019856.2); short protein forms R284G.
Identifiers: ClinVar variation 948304 (VCV000948304.9), dbSNP rs1001422774, ClinGen allele CA401716205.

ClinVar aggregate classification (germline): Uncertain significance (1 of 4 stars; one submission).

Conditions:
Hypertrophic cardiomyopathy. Also called: HYPERTROPHIC MYOCARDIOPATHY. Identifiers: Orphanet 217569, MedGen C0007194, MeSH D002312, MONDO:0005045, HP:0001639.

Submission:

Labcorp Genetics (formerly Invitae), Labcorp
Classification: Uncertain significance for Hypertrophic cardiomyopathy. Last evaluated: 2022-08-23. Review status: criteria provided, single submitter. Criteria: Invitae Variant Classification Sherloc (09022015). Collection method: clinical testing. Allele origin: germline.
Comment: In summary, the available evidence is currently insufficient to determine the role of this variant in disease. Therefore, it has been classified as a Variant of Uncertain Significance. Algorithms developed to predict the effect of missense changes on protein structure and function are either unavailable or do not agree on the potential impact of this missense change (SIFT: "Deleterious"; PolyPhen-2: "Probably Damaging"; Align-GVGD: "Class C0"). ClinVar contains an entry for this variant (Variation ID: 948304). This variant has not been reported in the literature in individuals affected with MYOM1-related conditions. This variant is not present in population databases (gnomAD no frequency). This sequence change replaces arginine, which is basic and polar, with glycine, which is neutral and non-polar, at codon 284 of the MYOM1 protein (p.Arg284Gly).